The following is an entry in ClinVar:

NM_001253697.2(ERBIN):c.830A>G (p.Asn277Ser)

Gene: ERBIN (erbb2 interacting protein; plus strand). Cytogenetic location: 5q12.3.
Variant type: single nucleotide variant.
Coding change: c.830A>G on transcript NM_001253697.2 (MANE Select); coding-DNA position 830, A replaced by G.
Protein change: p.Asn277Ser; replaces asparagine 277 with serine.
Molecular consequence: missense variant.
Genome position (GRCh38, 1-based): chr5:66,025,492, A>G. VCF-style: chr5-66025492-A-G. GRCh37 (hg19) VCF-style: chr5-65321320-A-G.
Other names: c.830A>G, p.Asn277Ser (NM_001006600.3, NM_001253698.2, NM_001253699.2 and 2 more transcripts); short protein forms N277S.
Identifiers: ClinVar variation 1901529 (VCV001901529.5), dbSNP rs74362544, ClinGen allele CA359975023.

ClinVar aggregate classification (germline): Uncertain significance (1 of 4 stars; one submission).

gnomAD v4.1: 1 of 1,611,870 alleles (0.000062%); highest among the groups gnomAD compares: Non-Finnish European, 0.000085%; no homozygotes.

Submission:

Labcorp Genetics (formerly Invitae), Labcorp
Classification: Uncertain significance. Last evaluated: 2023-07-09. Review status: criteria provided, single submitter. Criteria: Invitae Variant Classification Sherloc (09022015). Collection method: clinical testing. Allele origin: germline.
Comment: This variant has not been reported in the literature in individuals affected with ERBIN-related conditions. This sequence change replaces asparagine, which is neutral and polar, with serine, which is neutral and polar, at codon 277 of the ERBIN protein (p.Asn277Ser). This variant is not present in population databases (gnomAD no frequency). ClinVar contains an entry for this variant (Variation ID: 1901529). An algorithm developed to predict the effect of missense changes on protein structure and function (PolyPhen-2) suggests that this variant is likely to be tolerated. In summary, the available evidence is currently insufficient to determine the role of this variant in disease. Therefore, it has been classified as a Variant of Uncertain Significance.